The following is an entry in ClinVar:

NM_001083962.2(TCF4):c.1989C>T (p.Asp663=)

Gene: TCF4 (transcription factor 4; minus strand). Cytogenetic location: 18q21.2.
Variant type: single nucleotide variant.
Coding change: c.1989C>T on transcript NM_001083962.2 (MANE Select); coding-DNA position 1989, C replaced by T.
Protein change: p.Asp663=; no amino-acid change (aspartic acid 663 retained).
Molecular consequence: synonymous variant.
Genome position (GRCh38, 1-based): chr18:55,228,252, G>A on the plus strand (C>T on the coding strand, the complement: TCF4 is on the minus strand). VCF-style: chr18-55228252-G-A. GRCh37 (hg19) VCF-style: chr18-52895483-G-A.
Other names: c.2295C>T, p.Asp765= (NM_001243226.3); c.1917C>T, p.Asp639= (NM_001243227.2, NM_001348217.1, NM_001348218.2 and 1 more transcripts); c.2007C>T, p.Asp669= (NM_001243228.2); c.1968C>T, p.Asp656= (NM_001243230.2); c.1851C>T, p.Asp617= (NM_001243231.2); c.1776C>T, p.Asp592= (NM_001243232.1); c.1587C>T, p.Asp529= (NM_001243233.2, NM_001348212.2); c.1509C>T, p.Asp503= (NM_001243234.2, NM_001348216.2); and 14 more.
Identifiers: ClinVar variation 669241 (VCV000669241.11), dbSNP rs752325141, ClinGen allele CA8970113.

ClinVar aggregate classification (germline): Likely benign. Review status: criteria provided, multiple submitters, no conflicts (2 of 4 stars). 3 submissions from 3 submitters: Likely benign (3). Last evaluated 2025-12-21.

Conditions:
Pitt-Hopkins syndrome (PTHS). Also called: ENCEPHALOPATHY, SEVERE EPILEPTIC, WITH AUTONOMIC DYSFUNCTION; MENTAL RETARDATION, SYNDROMAL, WITH INTERMITTENT HYPERVENTILATION. Identifiers: Orphanet 2896, MedGen C1970431, MONDO:0012589, OMIM 610954.

Allele frequency attached by ClinVar (database versions not stated): gnomAD 0.00001; gnomAD exomes 0.00001 and 0.00002; TOPMed 0.00001; ExAC 0.00003.
gnomAD v4.1: 21 of 1,613,996 alleles (0.0013%); highest among the groups gnomAD compares: Admixed American, 0.015%; no homozygotes.

Submissions (3):

Labcorp Genetics (formerly Invitae), Labcorp
Classification: Likely benign for Pitt-Hopkins syndrome. Last evaluated: 2025-12-21. Review status: criteria provided, single submitter. Criteria: Invitae Variant Classification Sherloc (09022015). Collection method: clinical testing. Allele origin: germline.

Women's Health and Genetics/Laboratory Corporation of America, LabCorp
Classification: Likely benign. Last evaluated: 2024-01-22. Review status: criteria provided, single submitter. Criteria: LabCorp Variant Classification Summary - May 2015. Collection method: clinical testing. Allele origin: germline.

GeneDx
Classification: Likely benign. Last evaluated: 2018-06-04. Review status: criteria provided, single submitter. Criteria: GeneDx Variant Classification (06012015). Collection method: clinical testing. Allele origin: germline. Affected: yes.
Comment: This variant is considered likely benign or benign based on one or more of the following criteria: it is a conservative change, it occurs at a poorly conserved position in the protein, it is predicted to be benign by multiple in silico algorithms, and/or has population frequency not consistent with disease.